The following is an entry in ClinVar:

ClinVar aggregate classification (germline): Uncertain significance (1 of 4 stars; one submission).

Allele frequency attached by ClinVar (database versions not stated): ExAC 0.00001; gnomAD 0.00001; gnomAD exomes 0.00003 and 0.00006; ESP Exome Variant Server 0.00008.

Submission:

Labcorp Genetics (formerly Invitae), Labcorp
Classification: Uncertain significance. Last evaluated: 2022-02-14. Review status: criteria provided, single submitter. Criteria: Invitae Variant Classification Sherloc (09022015). Collection method: clinical testing. Allele origin: germline.
Comment: This sequence change replaces glycine, which is neutral and non-polar, with serine, which is neutral and polar, at codon 361 of the EXOSC9 protein (p.Gly361Ser). This variant is present in population databases (rs148293459, gnomAD 0.01%). This variant has not been reported in the literature in individuals affected with EXOSC9-related conditions. Algorithms developed to predict the effect of missense changes on protein structure and function (SIFT, PolyPhen-2, Align-GVGD) all suggest that this variant is likely to be tolerated. In summary, the available evidence is currently insufficient to determine the role of this variant in disease. Therefore, it has been classified as a Variant of Uncertain Significance.

NM_005033.3(EXOSC9):c.1081G>A (p.Gly361Ser)

Gene: EXOSC9 (exosome component 9; plus strand). Cytogenetic location: 4q27.
Variant type: single nucleotide variant.
Coding change: c.1081G>A on transcript NM_005033.3 (MANE Select); coding-DNA position 1081, G replaced by A.
Protein change: p.Gly361Ser; replaces glycine 361 with serine.
Molecular consequence: missense variant.
Genome position (GRCh38, 1-based): chr4:121,813,972, G>A. VCF-style: chr4-121813972-G-A. GRCh37 (hg19) VCF-style: chr4-122735127-G-A.
Other names: c.1081G>A, p.Gly361Ser (NM_001034194.2); short protein forms G361S.
Identifiers: ClinVar variation 1499509 (VCV001499509.5), dbSNP rs148293459, ClinGen allele CA3063619.